The following is an entry in ClinVar:

NM_001042432.2(CLN3):c.1138T>C (p.Tyr380His)

Gene: CLN3 (CLN3 lysosomal/endosomal transmembrane protein, battenin; minus strand). Cytogenetic location: 16p12.1.
Variant type: single nucleotide variant.
Coding change: c.1138T>C on transcript NM_001042432.2 (MANE Select); coding-DNA position 1138, T replaced by C.
Protein change: p.Tyr380His; replaces tyrosine 380 with histidine.
Molecular consequence: missense variant.
Genome position (GRCh38, 1-based): chr16:28,477,796, A>G on the plus strand (T>C on the coding strand, the complement: CLN3 is on the minus strand). VCF-style: chr16-28477796-A-G. GRCh37 (hg19) VCF-style: chr16-28489117-A-G.
Other names: c.1138T>C, p.Tyr380His (NM_000086.2); c.1066T>C, p.Tyr356His (NM_001286104.2); c.838T>C, p.Tyr280His (NM_001286105.2); c.904T>C, p.Tyr302His (NM_001286109.2); c.976T>C, p.Tyr326His (NM_001286110.2); short protein forms Y280H, Y356H, Y380H, Y326H, Y302H.
Identifiers: ClinVar variation 2713665 (VCV002713665.3), dbSNP rs2506417754, ClinGen allele CA395342789.

ClinVar aggregate classification (germline): Uncertain significance (1 of 4 stars; one submission).

Conditions:
Neuronal ceroid lipofuscinosis. Also called: Neuronal Ceroid Lipofuscinoses. Identifiers: Orphanet 216, Orphanet 79263, MedGen C0027877, MONDO:0016295. Disease mechanism: loss of function.

Allele frequency attached by ClinVar (database versions not stated): gnomAD exomes below 0.00001.
gnomAD v4.1: 1 of 1,614,210 alleles (0.000062%); highest among the groups gnomAD compares: Non-Finnish European, 0.000085%; no homozygotes.

Submission:

Labcorp Genetics (formerly Invitae), Labcorp
Classification: Uncertain significance for Neuronal ceroid lipofuscinosis. Last evaluated: 2023-06-21. Review status: criteria provided, single submitter. Criteria: Invitae Variant Classification Sherloc (09022015). Collection method: clinical testing. Allele origin: germline.
Comment: This sequence change replaces tyrosine, which is neutral and polar, with histidine, which is basic and polar, at codon 380 of the CLN3 protein (p.Tyr380His). This variant is not present in population databases (gnomAD no frequency). This variant has not been reported in the literature in individuals affected with CLN3-related conditions. Advanced modeling of protein sequence and biophysical properties (such as structural, functional, and spatial information, amino acid conservation, physicochemical variation, residue mobility, and thermodynamic stability) performed at Invitae indicates that this missense variant is expected to disrupt CLN3 protein function. In summary, the available evidence is currently insufficient to determine the role of this variant in disease. Therefore, it has been classified as a Variant of Uncertain Significance.